The following is an entry in ClinVar:

NM_001145358.2(SIN3A):c.1675C>T (p.Arg559Ter)

Gene: SIN3A (SIN3 transcription regulator family member A; minus strand). Cytogenetic location: 15q24.2.
Variant type: single nucleotide variant.
Coding change: c.1675C>T on transcript NM_001145358.2 (MANE Select); coding-DNA position 1675, C replaced by T.
Protein change: p.Arg559Ter; replaces arginine 559 with a stop codon.
Molecular consequence: nonsense.
Genome position (GRCh38, 1-based): chr15:75,400,792, G>A on the plus strand (C>T on the coding strand, the complement: SIN3A is on the minus strand). VCF-style: chr15-75400792-G-A. GRCh37 (hg19) VCF-style: chr15-75693133-G-A.
Other names: c.1675C>T, p.Arg559Ter (NM_001145357.2, NM_015477.3); short protein forms R559*.
Identifiers: ClinVar variation 489302 (VCV000489302.4), dbSNP rs1555444879, ClinGen allele CA393498404.

ClinVar aggregate classification (germline): Pathogenic/Likely pathogenic. Review status: criteria provided, multiple submitters, no conflicts (2 of 4 stars). 2 submissions from 2 submitters: Pathogenic (1); Likely pathogenic (1). Last evaluated 2020-03-18.

Conditions:
SIN3A-related disorder. Also called: SIN3A-related condition.

Allele frequency attached by ClinVar (database versions not stated): gnomAD exomes below 0.00001.
gnomAD v4.1: 1 of 1,614,088 alleles (0.000062%); highest among the groups gnomAD compares: Non-Finnish European, 0.000085%; no homozygotes.

Submissions (2):

Blueprint Genetics
Classification: Likely pathogenic for SIN3A-related disorders. Last evaluated: 2020-03-18. Review status: criteria provided, single submitter. Criteria: ACMG Guidelines, 2015. Collection method: clinical testing. Allele origin: germline. Affected: yes. Observed: 1 variant allele.

GeneDx
Classification: Pathogenic. Last evaluated: 2019-06-13. Review status: criteria provided, single submitter. Criteria: GeneDx Variant Classification Process June 2021. Collection method: clinical testing. Allele origin: germline. Affected: yes.
Comment: Nonsense variant predicted to result in protein truncation or nonsense mediated decay in a gene for which loss-of-function is a known mechanism of disease; Has not been previously published as pathogenic or benign to our knowledge; Not observed in large population cohorts (Lek et al., 2016); This variant is associated with the following publications: (PMID: 32783353)